The following is an entry in ClinVar:

NM_017617.5(NOTCH1):c.3901+19C>T

Gene: NOTCH1 (notch receptor 1; minus strand). Cytogenetic location: 9q34.3.
Variant type: single nucleotide variant.
Coding change: c.3901+19C>T on transcript NM_017617.5 (MANE Select); 19 bases into the intron after coding-DNA position 3901, C replaced by T.
Molecular consequence: intron variant.
Genome position (GRCh38, 1-based): chr9:136,506,697, G>A on the plus strand (C>T on the coding strand, the complement: NOTCH1 is on the minus strand). VCF-style: chr9-136506697-G-A. GRCh37 (hg19) VCF-style: chr9-139401149-G-A.
Other names: c.3901+19C>T (LRG_1122t1).
Identifiers: ClinVar variation 512810 (VCV000512810.7), dbSNP rs373752718, ClinGen allele CA5340771.
Genomic context (GRCh38, chr9:136,506,697, plus strand): 5'-GCCCTAGGGGTAAGAGCAGGGCAGTGAGAGGCTCACCCTGCTGCCCCACACGCCCCACCC[G>A]CCTGGGCGCGGCACCCACCGGTGTGACCAGCACGGCACTCGCAGTGGAAGTCATTGACGC-3'

ClinVar aggregate classification (germline): Likely benign. Review status: criteria provided, multiple submitters, no conflicts (2 of 4 stars). 3 submissions from 3 submitters: Likely benign (3). Last evaluated 2025-09-02.

Conditions:
Adams-Oliver syndrome 5 (AOS5). Identifiers: Orphanet 974, MedGen C4014970, MONDO:0014459, OMIM 616028.

Allele frequency attached by ClinVar (database versions not stated): gnomAD exomes 0.00003; gnomAD 0.00007; TOPMed 0.00007; ExAC 0.00008; ESP Exome Variant Server 0.00008.
gnomAD v4.1: 53 of 1,595,808 alleles (0.0033%); highest among the groups gnomAD compares: African/African-American, 0.011%; no homozygotes.

Submissions (3):

Labcorp Genetics (formerly Invitae), Labcorp
Classification: Likely benign for Adams-Oliver syndrome 5. Last evaluated: 2025-09-02. Review status: criteria provided, single submitter. Criteria: Invitae Variant Classification Sherloc (09022015). Collection method: clinical testing. Allele origin: germline.

Blueprint Genetics
Classification: Likely benign. Last evaluated: 2024-11-05. Review status: criteria provided, single submitter. Criteria: ACMG Guidelines, 2015. Collection method: clinical testing. Allele origin: germline.

GeneDx
Classification: Likely benign. Last evaluated: 2017-10-18. Review status: criteria provided, single submitter. Criteria: GeneDx Variant Classification (06012015). Collection method: clinical testing. Allele origin: germline. Affected: yes.
Comment: This variant is considered likely benign or benign based on one or more of the following criteria: it is a conservative change, it occurs at a poorly conserved position in the protein, it is predicted to be benign by multiple in silico algorithms, and/or has population frequency not consistent with disease.